The following is an entry in ClinVar:

NM_002900.3(RBP3):c.508C>T (p.Arg170Trp)

Gene: RBP3 (retinol binding protein 3; plus strand). Cytogenetic location: 10q11.22.
Variant type: single nucleotide variant.
Coding change: c.508C>T on transcript NM_002900.3 (MANE Select); coding-DNA position 508, C replaced by T.
Protein change: p.Arg170Trp; replaces arginine 170 with tryptophan.
Molecular consequence: missense variant.
Genome position (GRCh38, 1-based): chr10:47,348,992, C>T. VCF-style: chr10-47348992-C-T. GRCh37 (hg19) VCF-style: chr10-48390370-G-A.
Other names: short protein forms R170W.
Identifiers: ClinVar variation 1414581 (VCV001414581.7), dbSNP rs782449660, ClinGen allele CA5487771.

ClinVar aggregate classification (germline): Uncertain significance. Review status: criteria provided, multiple submitters, no conflicts (2 of 4 stars). 3 submissions from 3 submitters: Uncertain significance (3). Last evaluated 2024-02-24.

Conditions:
Retinal dystrophy. Also called: Inherited retinal dystrophy. Identifiers: Orphanet 71862, MedGen C0854723, MeSH D058499, MONDO:0019118, HP:0000556.

Allele frequency attached by ClinVar (database versions not stated): gnomAD 0.00001; ExAC 0.00002; TOPMed 0.00002.
gnomAD v4.1: 29 of 1,613,898 alleles (0.0018%); highest among the groups gnomAD compares: East Asian, 0.033%; no homozygotes.

Submissions (3):

Labcorp Genetics (formerly Invitae), Labcorp
Classification: Uncertain significance. Last evaluated: 2024-02-24. Review status: criteria provided, single submitter. Criteria: Invitae Variant Classification Sherloc (09022015). Collection method: clinical testing. Allele origin: germline.
Comment: This sequence change replaces arginine, which is basic and polar, with tryptophan, which is neutral and slightly polar, at codon 170 of the RBP3 protein (p.Arg170Trp). This variant is present in population databases (rs782449660, gnomAD 0.006%). This variant has not been reported in the literature in individuals affected with RBP3-related conditions. ClinVar contains an entry for this variant (Variation ID: 1414581). An algorithm developed to predict the effect of missense changes on protein structure and function (PolyPhen-2) suggests that this variant is likely to be disruptive. In summary, the available evidence is currently insufficient to determine the role of this variant in disease. Therefore, it has been classified as a Variant of Uncertain Significance.

Dept Of Ophthalmology, Nagoya University
Classification: Uncertain significance for Retinal dystrophy. Last evaluated: 2023-10-01. Review status: criteria provided, single submitter. Criteria: Submitter's publication. Collection method: research. Allele origin: germline. Affected: yes.

Blueprint Genetics
Classification: Uncertain significance. Last evaluated: 2023-07-12. Review status: criteria provided, single submitter. Criteria: ACMG Guidelines, 2015. Collection method: clinical testing. Allele origin: germline.